The following is an entry in ClinVar:

NM_002439.5(MSH3):c.1211G>A (p.Ser404Asn)

Gene: MSH3 (mutS homolog 3; plus strand). Cytogenetic location: 5q14.1.
Variant type: single nucleotide variant.
Coding change: c.1211G>A on transcript NM_002439.5 (MANE Select); coding-DNA position 1211, G replaced by A.
Protein change: p.Ser404Asn; replaces serine 404 with asparagine.
Molecular consequence: missense variant.
Genome position (GRCh38, 1-based): chr5:80,678,964, G>A. VCF-style: chr5-80678964-G-A. GRCh37 (hg19) VCF-style: chr5-79974783-G-A.
Other names: short protein forms S404N.
Identifiers: ClinVar variation 938130 (VCV000938130.10), dbSNP rs1580556438, ClinGen allele CA360268890.
Genomic context (GRCh38, chr5:80,678,964, plus strand): 5'-ATTATATTTGTATTTGTTTTTAGGGAGTGCAGCCTGCCACAGGCGAGGTTGTGTTTGATA[G>A]TTTCCAGGACTCTGCTTCTCGTTCAGAGCTAGAAACCCGGATGTCAAGCCTGCAGCCAGT-3'
Protein context (NP_002430.3, residues 394-414): QPATGEVVFD[Ser404Asn]FQDSASRSEL

ClinVar aggregate classification (germline): Uncertain significance. Review status: criteria provided, multiple submitters, no conflicts (2 of 4 stars). 2 submissions from 2 submitters: Uncertain significance (2). Last evaluated 2025-01-06.

Conditions:
Hereditary cancer-predisposing syndrome. Also called: Tumor predisposition; Hereditary neoplastic syndrome; Hereditary Cancer Syndrome; Neoplastic Syndromes, Hereditary. Identifiers: Orphanet 140162, MedGen C0027672, MeSH D009386, MONDO:0015356.

gnomAD v4.1: 1 of 1,614,112 alleles (0.000062%); highest among the groups gnomAD compares: Non-Finnish European, 0.000085%; no homozygotes.

Submissions (2):

Labcorp Genetics (formerly Invitae), Labcorp
Classification: Uncertain significance. Last evaluated: 2025-01-06. Review status: criteria provided, single submitter. Criteria: Invitae Variant Classification Sherloc (09022015). Collection method: clinical testing. Allele origin: germline.
Comment: This sequence change replaces serine, which is neutral and polar, with asparagine, which is neutral and polar, at codon 404 of the MSH3 protein (p.Ser404Asn). This variant is not present in population databases (gnomAD no frequency). This variant has not been reported in the literature in individuals affected with MSH3-related conditions. ClinVar contains an entry for this variant (Variation ID: 938130). An algorithm developed to predict the effect of missense changes on protein structure and function (PolyPhen-2) suggests that this variant is likely to be disruptive. In summary, the available evidence is currently insufficient to determine the role of this variant in disease. Therefore, it has been classified as a Variant of Uncertain Significance.

Ambry Genetics
Classification: Uncertain significance for Hereditary cancer-predisposing syndrome. Last evaluated: 2024-06-03. Review status: criteria provided, single submitter. Criteria: Ambry Variant Classification Scheme 2023. Collection method: clinical testing. Allele origin: germline.
Comment: The p.S404N variant (also known as c.1211G>A), located in coding exon 8 of the MSH3 gene, results from a G to A substitution at nucleotide position 1211. The serine at codon 404 is replaced by asparagine, an amino acid with highly similar properties. This amino acid position is conserved. In addition, this alteration is predicted to be tolerated by in silico analysis. Since supporting evidence is limited at this time, the clinical significance of this alteration remains unclear.